The following is an entry in ClinVar:

ClinVar aggregate classification (germline): Pathogenic (1 of 4 stars; one submission).

Conditions:
Inborn genetic diseases. Identifiers: MedGen C0950123, MeSH D030342.

Submission:

Ambry Genetics
Classification: Pathogenic for Inborn genetic diseases. Last evaluated: 2025-07-21. Review status: criteria provided, single submitter. Criteria: Ambry Variant Classification Scheme 2023. Collection method: clinical testing. Allele origin: germline.
Comment: The c.4818dupC alteration, located in exon 22 (coding exon 22) of the SHANK3 gene, consists of a duplication of C at position 4818, causing a translational frameshift with a predicted alternate stop codon after 87 amino acids. This variant is not expected to trigger nonsense-mediated mRNA decay and impacts the last 7% of the protein. However, premature stop codons are typically deleterious in nature, the impacted region is critical for protein function, and a significant portion of the protein is affected (Ambry internal data). The Genome Aggregation Database (gnomAD) data for this variant is unreliable due to technical and/or biological issues, therefore population frequency estimates were not considered. This variant was determined to be de novo in at least one individual with features consistent with Phelan-McDermid syndrome (external communication). Based on the available evidence, this alteration is classified as pathogenic.

NM_033517.1:c.4818dupC

Gene: SHANK3 (SH3 and multiple ankyrin repeat domains 3; plus strand).
Variant type: Duplication.
Other names: c.4818dupC (NM_033517.1).
Identifiers: ClinVar variation 4164509 (VCV004164509.1).